The following is an entry in ClinVar:

ClinVar aggregate classification (germline): Uncertain significance (1 of 4 stars; one submission).

gnomAD v4.1: 2 of 1,614,056 alleles (0.00012%); highest among the groups gnomAD compares: Non-Finnish European, 0.00017%; no homozygotes.

Submission:

Ambry Genetics
Classification: Uncertain significance. Last evaluated: 2025-10-11. Review status: criteria provided, single submitter. Criteria: Ambry Variant Classification Scheme 2023. Collection method: clinical testing. Allele origin: germline.
Comment: The p.N801D variant (also known as c.2401A>G), located in coding exon 1 of the TET2 gene, results from an A to G substitution at nucleotide position 2401. The asparagine at codon 801 is replaced by aspartic acid, an amino acid with highly similar properties. This amino acid position is conserved. In addition, this alteration is predicted to be tolerated by in silico analysis. Based on the available evidence, the clinical significance of this variant remains unclear.

NM_001127208.3(TET2):c.2401A>G (p.Asn801Asp)

Genes: TET2 (tet methylcytosine dioxygenase 2; plus strand), TET2-AS1 (TET2 antisense RNA 1; minus strand). Cytogenetic location: 4q24.
Variant type: single nucleotide variant.
Coding change: c.2401A>G on transcript NM_001127208.3 (MANE Select); coding-DNA position 2401, A replaced by G.
Protein change: p.Asn801Asp; replaces asparagine 801 with aspartic acid.
Molecular consequence: missense variant.
Genome position (GRCh38, 1-based): chr4:105,236,343, A>G. VCF-style: chr4-105236343-A-G. GRCh37 (hg19) VCF-style: chr4-106157500-A-G.
Other names: c.2401A>G, p.Asn801Asp (NM_017628.4); short protein forms N801D.
Identifiers: ClinVar variation 4594154 (VCV004594154.1).